The following is an entry in ClinVar:

NM_030662.4(MAP2K2):c.181A>G (p.Lys61Glu)

Gene: MAP2K2 (mitogen-activated protein kinase kinase 2; minus strand). Cytogenetic location: 19p13.3.
Variant type: single nucleotide variant.
Coding change: c.181A>G on transcript NM_030662.4 (MANE Select); coding-DNA position 181, A replaced by G.
Protein change: p.Lys61Glu; replaces lysine 61 with glutamic acid.
Molecular consequence: missense variant.
Genome position (GRCh38, 1-based): chr19:4,117,541, T>C on the plus strand (A>G on the coding strand, the complement: MAP2K2 is on the minus strand). VCF-style: chr19-4117541-T-C. GRCh37 (hg19) VCF-style: chr19-4117539-T-C.
Other names: p.K61E:AAA>GAA; short protein forms K61E.
Identifiers: ClinVar variation 40769 (VCV000040769.22), dbSNP rs730880517, ClinGen allele CA280074.

ClinVar aggregate classification (germline): Pathogenic/Likely pathogenic. Review status: criteria provided, multiple submitters, no conflicts (2 of 4 stars). 7 submissions from 7 submitters: Pathogenic (5); Likely pathogenic (2). Last evaluated 2026-01-11.

Conditions:
Cardiofaciocutaneous syndrome 4 (CFC4). Also called: MAP2K2-Related Cardiofaciocutaneous Syndrome. Identifiers: Orphanet 1340, MedGen C3809007, MONDO:0014114, OMIM 615280.
RASopathy. Also called: Noonan spectrum disorder; rasopathies. Identifiers: Orphanet 536391, MedGen C5555857, MONDO:0021060.
Cardiofaciocutaneous syndrome 1 (CFC1). Also called: BRAF-Related Cardiofaciocutaneous Syndrome. Identifiers: Orphanet 1340, MedGen CN029449, MONDO:0007265, OMIM 115150. Disease mechanism: gain of function.

Submissions (7):

Variantyx, Inc.
Classification: Pathogenic for Cardiofaciocutaneous syndrome 4. Last evaluated: 2026-01-11. Review status: criteria provided, single submitter. Criteria: Variantyx Assertion Criteria 2022. Collection method: clinical testing. Allele origin: germline. Inheritance: Autosomal dominant inheritance. Affected: yes.
Comment: This is a nonsynonymous variant in the MAP2K2 gene (OMIM: 601263). Pathogenic variants in this gene have been associated with autosomal dominant cardiofaciocutaneous syndrome 4. This variant likely occurred de novo in individuals reported in the published literature; however, the possibility of parental germline mosaicism cannot be excluded (PMID: 25326637) (PS2). This variant has been reported in at least 4 unrelated affected individuals (PMID: 33128510, 37697378, 24719372, 17366577 ) (PS4_Moderate). The alteration lies within a known hotspot for pathogenic variants or a well-established critical functional domain of the MAP2K2 protein (PM1), and multiple computational algorithms predict a deleterious effect for this variant (REVEL score: 0.957) (PP3). This variant is absent from control populations (PM2). Based on the ciurrent evidence, this variant is classified as pathogenic for autosomal dominant cardiofaciocutaneous syndrome 4.

GeneDx
Classification: Pathogenic. Last evaluated: 2022-09-06. Review status: criteria provided, single submitter. Criteria: GeneDx Variant Classification Process June 2021. Collection method: clinical testing. Allele origin: germline. Affected: yes.
Comment: Not observed at significant frequency in large population cohorts (gnomAD); Missense variants in this gene are often considered pathogenic (HGMD); In silico analysis supports that this missense variant has a deleterious effect on protein structure/function; This variant is associated with the following publications: (PMID: 24803665, 24719372, 17366577, 25370473, 22753777, 19156172, 26399658, 22177953, 29493581, 25326637)

Institute of Medical Genetics and Applied Genomics, University Hospital Tübingen
Classification: Likely pathogenic. Last evaluated: 2020-10-23. Review status: criteria provided, single submitter. Criteria: ACMG Guidelines, 2015. Collection method: clinical testing. Allele origin: germline. Inheritance: Autosomal dominant inheritance. Affected: yes.

Labcorp Genetics (formerly Invitae), Labcorp
Classification: Pathogenic for RASopathy. Last evaluated: 2020-08-11. Review status: criteria provided, single submitter. Criteria: Invitae Variant Classification Sherloc (09022015). Collection method: clinical testing. Allele origin: germline.
Comment: For these reasons, this variant has been classified as Pathogenic. Algorithms developed to predict the effect of missense changes on protein structure and function are either unavailable or do not agree on the potential impact of this missense change (SIFT: "Deleterious"; PolyPhen-2: "Probably Damaging"; Align-GVGD: "Class C0"). This variant has been observed in individual(s) with Noonan syndrome or cardiofaciocutaneous syndrome (PMID:25326637, 17366577, 24719372). In at least one individual the variant has been observed to be de novo. ClinVar contains an entry for this variant (Variation ID: 40769). This variant is not present in population databases (ExAC no frequency). This sequence change replaces lysine with glutamic acid at codon 61 of the MAP2K2 protein (p.Lys61Glu). The lysine residue is highly conserved and there is a small physicochemical difference between lysine and glutamic acid.

Revvity Omics, Revvity
Classification: Pathogenic for Cardiofaciocutaneous syndrome 4. Last evaluated: 2019-03-04. Review status: criteria provided, single submitter. Criteria: ACMG Guidelines, 2015. Collection method: clinical testing. Allele origin: germline.

UCLA Clinical Genomics Center, UCLA
Classification: Likely pathogenic for Cardio-facio-cutaneous syndrome. Last evaluated: 2013-04-02. Review status: criteria provided, single submitter. Criteria: Lee et al. (JAMA. 2014). Collection method: clinical testing. Allele origin: de novo. Inheritance: Autosomal dominant inheritance. Affected: yes. Study: CES.

Juno Genomics, Hangzhou Juno Genomics, Inc
Classification: Pathogenic for Cardiofaciocutaneous syndrome 4. Review status: criteria provided, single submitter. Criteria: ACMG Guidelines, 2015. Collection method: clinical testing. Allele origin: germline. Affected: yes.
Comment: Absent from controls (or at extremely low frequency if recessive) in Genome Aggregation Database.;Multiple lines of computational evidence support a deleterious effect on the gene or gene product.;Located in a mutational hot spot and/or critical and well-established functional domain without benign variation.;The prevalence of the variant in affected individuals is significantly increased compared to the prevalence in controls.;De novo (both maternity and paternity confirmed) in a patient with the disease and no family history.

Literature cited by the submitters: PubMed 25326637 (cited by Variantyx, Inc. and Labcorp Genetics (formerly Invitae), Labcorp); PubMed 33128510 (cited by Variantyx, Inc.); PubMed 37697378 (cited by Variantyx, Inc.); PubMed 24719372 (cited by Variantyx, Inc. and Labcorp Genetics (formerly Invitae), Labcorp); PubMed 17366577 (cited by Variantyx, Inc. and Labcorp Genetics (formerly Invitae), Labcorp).